The following is an entry in ClinVar:

NM_006015.6(ARID1A):c.483CGC[3] (p.Ala167del)

Gene: ARID1A (AT-rich interaction domain 1A; plus strand). Cytogenetic location: 1p36.11.
Variant type: Microsatellite.
Coding change: c.483CGC[3] on transcript NM_006015.6 (MANE Select); three copies in a row of the 3-base unit CGC starting at c.483; the reference has four copies in a row; one copy, 3 bases deleted.
Protein change: p.Ala167del; deletes alanine 167.
Genome position (GRCh38, 1-based): chr1:26,696,895-26,696,897, CGC deleted; deleting any 3 consecutive bases within chr1:26,696,886-26,696,897 gives the same sequence; the position shown is the placement nearest the transcript's 3' end. VCF-style (leftmost placement, unchanged base first): chr1-26696885-TCGC-T. GRCh37 (hg19) VCF-style: chr1-27023376-TCGC-T.
Other names: c.483CGC[3], p.Ala167del (NM_139135.4); short protein forms A167del.
Identifiers: ClinVar variation 4773529 (VCV004773529.1).
Genomic context (GRCh38, chr1:26,696,885, plus strand): 5'-CCGCCTTGCCGCCCCCAGCCTACGGCTTCGGGCAACCCTACGGCCGGAGCCCGTCTGCCG[TCGC>T]CGCCGCCGCGGCCGCCGTCTTCCACCAACAACATGGCGGACAACAAAGCCCTGGCCTGGC-3'

ClinVar aggregate classification (germline): Uncertain significance (1 of 4 stars; one submission).

Submission:

Labcorp Genetics (formerly Invitae), Labcorp
Classification: Uncertain significance. Last evaluated: 2026-01-08. Review status: criteria provided, single submitter. Criteria: Invitae Variant Classification Sherloc (09022015). Collection method: clinical testing. Allele origin: germline.
Comment: This variant, c.492_494del, results in the deletion of 1 amino acid(s) of the ARID1A protein (p.Ala167del), but otherwise preserves the integrity of the reading frame. The frequency data for this variant in the population databases is considered unreliable, as metrics indicate poor data quality at this position in the gnomAD database. This variant has not been reported in the literature in individuals affected with ARID1A-related conditions. Experimental studies and prediction algorithms are not available or were not evaluated, and the functional significance of this variant is currently unknown. In summary, the available evidence is currently insufficient to determine the role of this variant in disease. Therefore, it has been classified as a Variant of Uncertain Significance.